The following is an entry in ClinVar:

ClinVar aggregate classification (germline): Uncertain significance. Review status: criteria provided, multiple submitters, no conflicts (2 of 4 stars). 2 submissions from 2 submitters: Uncertain significance (2). Last evaluated 2020-11-10.

Conditions:
Immunodeficiency-centromeric instability-facial anomalies syndrome 2 (ICF2). Identifiers: Orphanet 2268, MedGen C3279748, MONDO:0013553, OMIM 614069.

Allele frequency attached by ClinVar (database versions not stated): gnomAD exomes below 0.00001; TOPMed below 0.00001.
gnomAD v4.1: 1 of 1,613,898 alleles (0.000062%); highest among the groups gnomAD compares: South Asian, 0.0011%; no homozygotes.

Submissions (2):

Labcorp Genetics (formerly Invitae), Labcorp
Classification: Uncertain significance for Immunodeficiency-centromeric instability-facial anomalies syndrome 2. Last evaluated: 2020-11-10. Review status: criteria provided, single submitter. Criteria: Invitae Variant Classification Sherloc (09022015). Collection method: clinical testing. Allele origin: germline.
Comment: In summary, the available evidence is currently insufficient to determine the role of this variant in disease. Therefore, it has been classified as a Variant of Uncertain Significance. Algorithms developed to predict the effect of missense changes on protein structure and function are either unavailable or do not agree on the potential impact of this missense change (SIFT: "Not Available"; PolyPhen-2: "Probably Damaging"; Align-GVGD: "Not Available"). This variant has not been reported in the literature in individuals with ZBTB24-related conditions. This variant is not present in population databases (ExAC no frequency). This sequence change replaces threonine with isoleucine at codon 401 of the ZBTB24 protein (p.Thr401Ile). The threonine residue is highly conserved and there is a moderate physicochemical difference between threonine and isoleucine.

Baylor Genetics
Classification: Uncertain significance for Immunodeficiency-centromeric instability-facial anomalies syndrome 2. Last evaluated: 2018-06-30. Review status: criteria provided, single submitter. Criteria: ACMG Guidelines, 2015. Collection method: clinical testing. Allele origin: paternal. Affected: yes.
Comment: This variant was determined to be of uncertain significance according to ACMG Guidelines, 2015 [PMID:25741868].

NM_014797.3(ZBTB24):c.1202C>T (p.Thr401Ile)

Gene: ZBTB24 (zinc finger and BTB domain containing 24; minus strand). Cytogenetic location: 6q21.
Variant type: single nucleotide variant.
Coding change: c.1202C>T on transcript NM_014797.3 (MANE Select); coding-DNA position 1202, C replaced by T.
Protein change: p.Thr401Ile; replaces threonine 401 with isoleucine.
Molecular consequence: missense variant.
Genome position (GRCh38, 1-based): chr6:109,476,177, G>A on the plus strand (C>T on the coding strand, the complement: ZBTB24 is on the minus strand). VCF-style: chr6-109476177-G-A. GRCh37 (hg19) VCF-style: chr6-109797380-G-A.
Other names: short protein forms T401I.
Identifiers: ClinVar variation 1032638 (VCV001032638.7), dbSNP rs1776274830, ClinGen allele CA365203021.